The following is an entry in ClinVar:

ClinVar aggregate classification (germline): Conflicting classifications of pathogenicity. Review status: criteria provided, conflicting classifications (1 of 4 stars). 6 submissions from 6 submitters: Likely pathogenic (4); Uncertain significance (1). 1 of the submissions does not count toward it. Last evaluated 2025-10-29.

Conditions:
Wilson disease (WND). Also called: Wilson's disease. Identifiers: Orphanet 905, MedGen C0019202, MONDO:0010200, OMIM 277900. Disease mechanism: loss of function.

Submissions (6):

Natera, Inc.
Classification: Likely pathogenic for Wilson disease. Last evaluated: 2025-10-29. Review status: criteria provided, single submitter. Criteria: Natera Variant Classification Schema (03/2026). Collection method: clinical testing. Allele origin: germline.
Comment: The c.3638G>T variant in ATP7B is a missense variant predicted to cause substitution of glycine to valine at amino acid 1213. This variant is rare in the general population with a frequency below the threshold expected for the associated phenotype(s). This variant has been observed in one or more individuals affected with the associated recessive disease, as either homozygous or compound heterozygous with a second variant (PMID: 33640437, 30232804). This variant has been identified in one or more affected individual with a phenotype highly consistent with the associated gene (PMID: 33640437). Computational prediction algorithms indicate this variant is likely to affect gene or protein function. Given the available evidence, this variant is classified as Likely Pathogenic.

Genomic Medicine Center of Excellence, King Faisal Specialist Hospital and Research Centre
Classification: Likely pathogenic for Wilson disease. Last evaluated: 2024-09-22. Review status: criteria provided, single submitter. Criteria: ACMG Guidelines, 2015. Collection method: clinical testing. Allele origin: germline.

Lildballe Lab, Aarhus University Hospital
Classification: Likely pathogenic for Wilson disease. Last evaluated: 2024-08-29. Review status: criteria provided, single submitter. Criteria: ACMG Guidelines, 2015. Collection method: clinical testing. Allele origin: germline. Affected: yes.
Comment: PM1 PM2 PP3

Labcorp Genetics (formerly Invitae), Labcorp
Classification: Uncertain significance for Wilson disease. Last evaluated: 2024-07-11. Review status: criteria provided, single submitter. Criteria: Invitae Variant Classification Sherloc (09022015). Collection method: clinical testing. Allele origin: germline.
Comment: This sequence change replaces glycine, which is neutral and non-polar, with valine, which is neutral and non-polar, at codon 1213 of the ATP7B protein (p.Gly1213Val). This variant is not present in population databases (gnomAD no frequency). This missense change has been observed in individual(s) with Wilson disease (PMID: 9482578). ClinVar contains an entry for this variant (Variation ID: 549999). Advanced modeling of protein sequence and biophysical properties (such as structural, functional, and spatial information, amino acid conservation, physicochemical variation, residue mobility, and thermodynamic stability) performed at Invitae indicates that this missense variant is expected to disrupt ATP7B protein function with a positive predictive value of 80%. Experimental studies have shown that this missense change affects ATP7B function (PMID: 22240481). In summary, the available evidence is currently insufficient to determine the role of this variant in disease. Therefore, it has been classified as a Variant of Uncertain Significance.

Baylor Genetics
Classification: Likely pathogenic for Wilson disease. Last evaluated: 2024-03-27. Review status: criteria provided, single submitter. Criteria: ACMG Guidelines, 2015. Collection method: clinical testing. Allele origin: unknown.

Counsyl
Classification: Uncertain significance for Wilson disease. Last evaluated: 2017-04-21. Review status: no assertion criteria provided. Collection method: clinical testing. Allele origin: unknown. Not counted in ClinVar's aggregate classification.

Literature cited by the submitters: PubMed 33640437 (cited by Natera, Inc.); PubMed 30232804 (cited by Natera, Inc.); PubMed 9482578 (cited by Labcorp Genetics (formerly Invitae), Labcorp and Counsyl); PubMed 22240481 (cited by Labcorp Genetics (formerly Invitae), Labcorp and Counsyl).

NM_000053.4(ATP7B):c.3638G>T (p.Gly1213Val)

Gene: ATP7B (ATPase copper transporting beta; minus strand). Cytogenetic location: 13q14.3.
Variant type: single nucleotide variant.
Coding change: c.3638G>T on transcript NM_000053.4 (MANE Select); coding-DNA position 3638, G replaced by T.
Protein change: p.Gly1213Val; replaces glycine 1213 with valine.
Molecular consequence: missense variant.
Genome position (GRCh38, 1-based): chr13:51,939,112, C>A on the plus strand (G>T on the coding strand, the complement: ATP7B is on the minus strand). VCF-style: chr13-51939112-C-A. GRCh37 (hg19) VCF-style: chr13-52513248-C-A.
Other names: c.3017G>T, p.Gly1006Val (NM_001005918.3); c.3305G>T, p.Gly1102Val (NM_001243182.2); c.3404G>T, p.Gly1135Val (NM_001330578.2); c.3386G>T, p.Gly1129Val (NM_001330579.2); short protein forms G1213V, G1135V, G1006V, G1102V, G1129V.
Identifiers: ClinVar variation 549999 (VCV000549999.7), dbSNP rs1555284582, ClinGen allele CA388023996.